The following is an entry in ClinVar:

NM_003872.3(NRP2):c.1A>G (p.Met1Val)

Gene: NRP2 (neuropilin 2; plus strand). Cytogenetic location: 2q33.3.
Variant type: single nucleotide variant.
Coding change: c.1A>G on transcript NM_003872.3 (MANE Select); coding-DNA position 1, A replaced by G.
Protein change: p.Met1Val; changes the start codon (methionine 1).
Molecular consequence: missense variant, initiator codon variant.
Genome position (GRCh38, 1-based): chr2:205,683,291, A>G. VCF-style: chr2-205683291-A-G. GRCh37 (hg19) VCF-style: chr2-206548015-A-G.
Other names: c.1A>G, p.Met1Val (NM_018534.4, NM_201264.2, NM_201266.2 and 2 more transcripts); short protein forms M1V.
Identifiers: ClinVar variation 4979732 (VCV004979732.1).

ClinVar aggregate classification (germline): Uncertain significance (1 of 4 stars; one submission).

Conditions:
NRP2-related disorder. Also called: NRP2-related condition.

Submission:

PreventionGenetics, part of Exact Sciences
Classification: Uncertain significance for NRP2-related condition. Last evaluated: 2025-03-19. Review status: criteria provided, single submitter. Criteria: ACMG Guidelines, 2015. Collection method: clinical testing. Allele origin: germline.
Comment: The NRP2 c.1A>G variant is predicted to disrupt the translation initiation site (Start Loss). To our knowledge, this variant has not been reported in the literature. This variant is reported in 0.0018% of alleles in individuals of European (Non-Finnish) descent in gnomAD. At this time, the clinical significance of this variant is uncertain due to the absence of conclusive functional and genetic evidence.